The following is an entry in ClinVar:

NM_002474.3(MYH11):c.4011G>C (p.Lys1337Asn)

Genes: MYH11 (myosin heavy chain 11; minus strand), NDE1 (nudE neurodevelopment protein 1; plus strand). Cytogenetic location: 16p13.11.
Variant type: single nucleotide variant.
Coding change: c.4011G>C on transcript NM_002474.3 (MANE Select); coding-DNA position 4011, G replaced by C.
Protein change: p.Lys1337Asn; replaces lysine 1337 with asparagine.
Molecular consequence: missense variant. On other transcripts: 3 prime UTR variant (2).
Genome position (GRCh38, 1-based): chr16:15,724,752, C>G on the plus strand (G>C on the coding strand, the complement: MYH11 is on the minus strand). VCF-style: chr16-15724752-C-G. GRCh37 (hg19) VCF-style: chr16-15818609-C-G.
Other names: c.4032G>C, p.Lys1344Asn (NM_001040113.2, NM_001040114.2); c.4011G>C, p.Lys1337Asn (NM_022844.3); c.*501C>G (NM_001143979.2, NM_017668.3); short protein forms K1344N, K1337N.
Identifiers: ClinVar variation 918668 (VCV000918668.14), dbSNP rs778284314, ClinGen allele CA7921808.

ClinVar aggregate classification (germline): Uncertain significance. Review status: criteria provided, multiple submitters, no conflicts (2 of 4 stars). 5 submissions from 5 submitters: Uncertain significance (5). Last evaluated 2025-12-30.

Conditions:
Familial thoracic aortic aneurysm and aortic dissection (TAAD). Also called: Thoracic aortic aneurysms and dissections. Identifiers: Orphanet 91387, MedGen C4707243, MONDO:0019625.
Aortic aneurysm, familial thoracic 4 (AAT4). Also called: AORTIC ANEURYSM/AORTIC DISSECTION AND PATENT DUCTUS ARTERIOSUS. Identifiers: MedGen C1851504, MONDO:0007568, OMIM 132900.

Allele frequency attached by ClinVar (database versions not stated): TOPMed 0.00001; ExAC 0.00002; gnomAD exomes 0.00002.
gnomAD v4.1: 24 of 1,614,180 alleles (0.0015%); highest among the groups gnomAD compares: Non-Finnish European, 0.002%; no homozygotes.

Submissions (5):

Labcorp Genetics (formerly Invitae), Labcorp
Classification: Uncertain significance for Aortic aneurysm, familial thoracic 4. Last evaluated: 2025-12-30. Review status: criteria provided, single submitter. Criteria: Invitae Variant Classification Sherloc (09022015). Collection method: clinical testing. Allele origin: germline.
Comment: This sequence change replaces lysine, which is basic and polar, with asparagine, which is neutral and polar, at codon 1344 of the MYH11 protein (p.Lys1344Asn). This variant is present in population databases (rs778284314, gnomAD 0.004%). This missense change has been observed in individual(s) with aortic aneurysm (internal data). ClinVar contains an entry for this variant (Variation ID: 918668). Invitae Evidence Modeling of protein sequence and biophysical properties (such as structural, functional, and spatial information, amino acid conservation, physicochemical variation, residue mobility, and thermodynamic stability) indicates that this missense variant is not expected to disrupt MYH11 protein function with a negative predictive value of 95%. In summary, the available evidence is currently insufficient to determine the role of this variant in disease. Therefore, it has been classified as a Variant of Uncertain Significance.

Color Diagnostics, LLC DBA Color Health
Classification: Uncertain significance for Familial thoracic aortic aneurysm and aortic dissection. Last evaluated: 2024-03-06. Review status: criteria provided, single submitter. Criteria: ACMG Guidelines, 2015. Collection method: clinical testing. Allele origin: germline.
Comment: This missense variant replaces lysine with asparagine at codon 1344 of the MYH11 protein. Computational prediction tools indicate that this variant's impact on protein structure and function is inconclusive. To our knowledge, functional studies have not been reported for this variant. This variant has not been reported in individuals affected with MYH11-related disorders in the literature. This variant has been identified in 4/251074 chromosomes in the general population by the Genome Aggregation Database (gnomAD). The available evidence is insufficient to determine the role of this variant in disease conclusively. Therefore, this variant is classified as a Variant of Uncertain Significance.

All of Us Research Program, National Institutes of Health
Classification: Uncertain significance for Familial thoracic aortic aneurysm and aortic dissection. Last evaluated: 2024-01-11. Review status: criteria provided, single submitter. Criteria: ACMG Guidelines, 2015. Collection method: clinical testing. Allele origin: germline. Inheritance: Autosomal dominant inheritance. Observed: 4 variant alleles, 4 heterozygotes.
Comment: Variant of Uncertain Significance due to insufficient evidence: This missense variant is located in the coiled coil myosin tail domain of the MYH11 protein. Computational prediction tools and conservation analyses suggest that this variant may have deleterious impact on the protein function. Computational splicing tools suggest that this variant may not impact RNA splicing. To our knowledge, functional assays have not been performed for this variant nor has this variant been reported in individuals affected with cardiovascular disorders in the literature. This variant has been identified in 4/245844 chromosomes in the general population by the Genome Aggregation Database (gnomAD). Available evidence is insufficient to determine the role of this variant in disease conclusively.

This study involves interpretation of variants in research participants for the purpose of population health screening. Participant phenotype was not available at the time of variant classification. Additional details can be found in publication PMID: 35346344, PMCID: PMC8962531

GeneDx
Classification: Uncertain significance. Last evaluated: 2020-09-25. Review status: criteria provided, single submitter. Criteria: GeneDx Variant Classification Process June 2021. Collection method: clinical testing. Allele origin: germline. Affected: yes.
Comment: Has not been previously published as pathogenic or benign to our knowledge; Not observed at a significant frequency in large population cohorts (Lek et al., 2016); In silico analysis supports that this missense variant has a deleterious effect on protein structure/function; Reported in ClinVar as a variant of uncertain significance (ClinVar Variant ID# 918668; Landrum et al., 2016)

Ambry Genetics
Classification: Uncertain significance for Familial thoracic aortic aneurysm and aortic dissection. Last evaluated: 2019-10-17. Review status: criteria provided, single submitter. Criteria: Ambry Variant Classification Scheme 2023. Collection method: clinical testing. Allele origin: germline.
Comment: The p.K1337N variant (also known as c.4011G>C), located in coding exon 29 of the MYH11 gene, results from a G to C substitution at nucleotide position 4011. The lysine at codon 1337 is replaced by asparagine, an amino acid with similar properties. This amino acid position is highly conserved in available vertebrate species. In addition, this alteration is predicted to be tolerated by in silico analysis. Since supporting evidence is limited at this time, the clinical significance of this alteration remains unclear.